The following is an entry in ClinVar:

ClinVar aggregate classification (germline): Likely pathogenic (1 of 4 stars; one submission).

Conditions:
Early-onset myopathy with fatal cardiomyopathy (CMYO5). Also called: Salih Myopathy; CONGENITAL MYOPATHY 5 WITH CARDIOMYOPATHY. Identifiers: Orphanet 289377, MedGen C2673677, MONDO:0012714, OMIM 611705. Disease mechanism: loss of function.

Submission:

Broad Center for Mendelian Genomics, Broad Institute of MIT and Harvard
Classification: Likely pathogenic for Early-onset myopathy with fatal cardiomyopathy. Last evaluated: 2023-05-02. Review status: criteria provided, single submitter. Criteria: ACMG Guidelines, 2015. Collection method: curation. Allele origin: germline. Inheritance: Autosomal recessive inheritance.
Comment: Familial exome analysis revealed that this variant was in trans with a variant of uncertain significance (NC_000002.12:g.178720984A>C). The p.Ser15802ArgfsTer10 variant in TTN has not been previously reported in individuals with Salih myopathy. This variant was absent from large population studies. This variant is predicted to cause a frameshift, which alters the protein‚Äôs amino acid sequence beginning at position 15802 and leads to a premature termination codon 10 amino acids downstream. This alteration is then predicted to lead to a truncated or absent protein. Loss of function of the TTN gene is an established disease mechanism in autosomal recessive Salih myopathy. In summary, although additional studies are required to fully establish its clinical significance, this variant is likely pathogenic for autosomal recessive Salih myopathy. ACMG/AMP Criteria applied: PVS1, PM2_Supporting (Richards 2015).

NC_000002.12:g.178617953_178617957dup

Genes: TTN (titin; minus strand), TTN-AS1 (TTN antisense RNA 1; plus strand). Cytogenetic location: 2q31.2.
Variant type: Duplication.
Molecular consequence: frameshift variant (on NM_001267550.2).
Genome position: GRCh38 VCF-style: chr2-178617948-A-AGTCTT. GRCh37 (hg19) VCF-style: chr2-179482675-A-AGTCTT.
Other names: NR_038271.1:n.1605-1800_1605-1796dup; c.42475_42479dup, p.Ser14161fs (NM_001256850.1); c.47398_47402dup, p.Ser15802fs (NM_001267550.2); c.20203_20207dup, p.Ser6737fs (NM_003319.4); c.39694_39698dup, p.Ser13234fs (NM_133378.4); c.20578_20582dup, p.Ser6862fs (NM_133432.3); c.20779_20783dup, p.Ser6929fs (NM_133437.4); short protein forms S13234fs, S14161fs, S15802fs, S6737fs, S6862fs, S6929fs.
Identifiers: ClinVar variation 2500882 (VCV002500882.1), dbSNP rs2470878323, ClinGen allele CA2573334561.